The following is an entry in ClinVar:

NM_004281.4(BAG3):c.1627G>C (p.Glu543Gln)

Gene: BAG3 (BAG cochaperone 3; plus strand). Cytogenetic location: 10q26.11.
Variant type: single nucleotide variant.
Coding change: c.1627G>C on transcript NM_004281.4 (MANE Select); coding-DNA position 1627, G replaced by C.
Protein change: p.Glu543Gln; replaces glutamic acid 543 with glutamine.
Molecular consequence: missense variant.
Genome position (GRCh38, 1-based): chr10:119,677,181, G>C. VCF-style: chr10-119677181-G-C. GRCh37 (hg19) VCF-style: chr10-121436693-G-C.
Other names: short protein forms E543Q.
Identifiers: ClinVar variation 2934951 (VCV002934951.3), dbSNP rs2494024740, ClinGen allele CA378297731.
Genomic context (GRCh38, chr10:119,677,181, plus strand): 5'-GCAATCATGGAGATGGGTGCCGTGGCAGCAGACAAGGGCAAGAAAAATGCTGGAAATGCA[G>C]AAGATCCCCACACAGAAACCCAGCAGCCAGAAGCCACAGCAGCAGCGACTTCAAACCCCA-3'
Protein context (NP_004272.2, residues 533-553): DKGKKNAGNA[Glu543Gln]DPHTETQQPE

ClinVar aggregate classification (germline): Uncertain significance (1 of 4 stars; one submission).

Conditions:
Myofibrillar myopathy 6. Identifiers: Orphanet 199340, MedGen C2751831, MONDO:0013061, OMIM 612954.
Dilated cardiomyopathy 1HH (CMD1HH). Identifiers: Orphanet 154, MedGen C3151293, MONDO:0013479, OMIM 613881.

Submission:

Labcorp Genetics (formerly Invitae), Labcorp
Classification: Uncertain significance for Dilated cardiomyopathy 1HH; Myofibrillar myopathy 6. Last evaluated: 2025-04-29. Review status: criteria provided, single submitter. Criteria: Invitae Variant Classification Sherloc (09022015). Collection method: clinical testing. Allele origin: germline.
Comment: This sequence change replaces glutamic acid, which is acidic and polar, with glutamine, which is neutral and polar, at codon 543 of the BAG3 protein (p.Glu543Gln). This variant is not present in population databases (gnomAD no frequency). This variant has not been reported in the literature in individuals affected with BAG3-related conditions. ClinVar contains an entry for this variant (Variation ID: 2934951). Invitae Evidence Modeling of protein sequence and biophysical properties (such as structural, functional, and spatial information, amino acid conservation, physicochemical variation, residue mobility, and thermodynamic stability) indicates that this missense variant is not expected to disrupt BAG3 protein function with a negative predictive value of 80%. In summary, the available evidence is currently insufficient to determine the role of this variant in disease. Therefore, it has been classified as a Variant of Uncertain Significance.